The following is an entry in ClinVar:

ClinVar aggregate classification (germline): Likely benign (1 of 4 stars; one submission).

Allele frequency attached by ClinVar (database versions not stated): TOPMed 0.00041; gnomAD 0.00042; gnomAD exomes 0.00068; ExAC 0.00079.
gnomAD v4.1: 1,001 of 1,536,170 alleles (0.065%); highest among the groups gnomAD compares: South Asian, 0.082%; 3 homozygotes.

Submission:

CeGaT Center for Human Genetics Tuebingen
Classification: Likely benign. Last evaluated: 2022-05-01. Review status: criteria provided, single submitter. Criteria: CeGaT Center For Human Genetics Tuebingen Variant Classification Criteria Version 2. Collection method: clinical testing. Allele origin: germline. Affected: yes. Observed: 1 variant allele.
Comment: CFAP92: BP4, BP7

NM_001394090.1(CFAP92):c.2172C>T (p.His724=)

Gene: CFAP92 (cilia and flagella associated protein 92 (putative); minus strand). Cytogenetic location: 3q21.3.
Variant type: single nucleotide variant.
Coding change: c.2172C>T on transcript NM_001394090.1 (MANE Select); coding-DNA position 2172, C replaced by T.
Protein change: p.His724=; no amino-acid change (histidine 724 retained).
Molecular consequence: synonymous variant.
Genome position (GRCh38, 1-based): chr3:128,945,157, G>A on the plus strand (C>T on the coding strand, the complement: CFAP92 is on the minus strand). VCF-style: chr3-128945157-G-A. GRCh37 (hg19) VCF-style: chr3-128664000-G-A.
Other names: c.1299C>T, p.His433= (NM_001348520.2); c.1203C>T, p.His401= (NM_001348521.2).
Identifiers: ClinVar variation 2654115 (VCV002654115.24), dbSNP rs200730768, ClinGen allele CA2601917.